The following is an entry in ClinVar:

NM_000088.4(COL1A1):c.945C>T (p.Ala315=)

Gene: COL1A1 (collagen type I alpha 1 chain; minus strand). Cytogenetic location: 17q21.33.
Variant type: single nucleotide variant.
Coding change: c.945C>T on transcript NM_000088.4 (MANE Select); coding-DNA position 945, C replaced by T.
Protein change: p.Ala315=; no amino-acid change (alanine 315 retained).
Molecular consequence: synonymous variant.
Genome position (GRCh38, 1-based): chr17:50,196,326, G>A on the plus strand (C>T on the coding strand, the complement: COL1A1 is on the minus strand). VCF-style: chr17-50196326-G-A. GRCh37 (hg19) VCF-style: chr17-48273687-G-A.
Identifiers: ClinVar variation 1581732 (VCV001581732.16), dbSNP rs780242725, ClinGen allele CA8645486.

ClinVar aggregate classification (germline): Conflicting classifications of pathogenicity. Review status: criteria provided, conflicting classifications (1 of 4 stars). 6 submissions from 6 submitters: Uncertain significance (1); Likely benign (4). 1 of the submissions does not count toward it. Last evaluated 2025-10-14.

Conditions:
Cardiovascular phenotype. Identifiers: MedGen CN230736.
Ehlers-Danlos syndrome (EDS). Identifiers: Orphanet 98249, MedGen C0013720, MONDO:0020066.
Osteogenesis imperfecta type I (OI1). Also called: OI, TYPE I; OSTEOGENESIS IMPERFECTA TARDA; OSTEOGENESIS IMPERFECTA WITH BLUE SCLERAE; Osteogenesis imperfecta type 1; Lobstein's Disease; Lobstein disease. Identifiers: Orphanet 216796, Orphanet 666, MedGen C0023931, MONDO:0008146, OMIM 166200. Disease mechanism: loss of function.
COL1A1-related disorder. Also called: COL1A1- related disease; COL1A1-related condition.

Allele frequency attached by ClinVar (database versions not stated): gnomAD exomes 0.00001; TOPMed 0.00001; ExAC 0.00003.
gnomAD v4.1: 45 of 1,609,732 alleles (0.0028%); highest among the groups gnomAD compares: Non-Finnish European, 0.0037%; no homozygotes.

Submissions (6):

Labcorp Genetics (formerly Invitae), Labcorp
Classification: Likely benign for Osteogenesis imperfecta type I. Last evaluated: 2025-10-14. Review status: criteria provided, single submitter. Criteria: Invitae Variant Classification Sherloc (09022015). Collection method: clinical testing. Allele origin: germline.

Women's Health and Genetics/Laboratory Corporation of America, LabCorp
Classification: Likely benign. Last evaluated: 2023-12-07. Review status: criteria provided, single submitter. Criteria: LabCorp Variant Classification Summary - May 2015. Collection method: clinical testing. Allele origin: germline.

Blueprint Genetics
Classification: Likely benign. Last evaluated: 2023-03-28. Review status: criteria provided, single submitter. Criteria: ACMG Guidelines, 2015. Collection method: clinical testing. Allele origin: germline.

Ambry Genetics
Classification: Likely benign for Cardiovascular phenotype. Last evaluated: 2020-07-31. Review status: criteria provided, single submitter. Criteria: Ambry Variant Classification Scheme 2023. Collection method: clinical testing. Allele origin: germline.

Genome Diagnostics Laboratory, The Hospital for Sick Children
Classification: Uncertain significance for Ehlers-Danlos syndrome. Last evaluated: 2020-05-01. Review status: criteria provided, single submitter. Criteria: ACMG Guidelines, 2015. Collection method: clinical testing. Allele origin: germline.

PreventionGenetics, part of Exact Sciences
Classification: Likely benign for COL1A1-related condition. Last evaluated: 2024-03-08. Review status: no assertion criteria provided. Collection method: clinical testing. Allele origin: germline. Not counted in ClinVar's aggregate classification.
Comment: This variant is classified as likely benign based on ACMG/AMP sequence variant interpretation guidelines (Richards et al. 2015 PMID: 25741868, with internal and published modifications).